The following is an entry in ClinVar:

ClinVar aggregate classification (germline): Uncertain significance (1 of 4 stars; one submission).

Conditions:
Melnick-Needles syndrome (MNS). Also called: MELNICK-NEEDLES OSTEODYSPLASTY; OSTEODYSPLASTY OF MELNICK AND NEEDLES; Melnick-Needles Syndrome (FLNA-MNS). Identifiers: Orphanet 2484, MedGen C0025237, MONDO:0010650, OMIM 309350.
Frontometaphyseal dysplasia (FMD1). Identifiers: Orphanet 1826, MedGen C0265293, MONDO:0015942.
Heterotopia, periventricular, X-linked dominant (PVNH1). Also called: PERIVENTRICULAR NODULAR HETEROTOPIA 1; X-linked periventricular heterotopia; PERIVENTRICULAR NODULAR HETEROTOPIA 4; HETEROTOPIA, PERIVENTRICULAR, 1. Identifiers: Orphanet 2149, Orphanet 82004, MedGen C1848213, MONDO:0010233, OMIM 300049.
Oto-palato-digital syndrome, type II (OPD2). Also called: FACIOPALATOOSSEOUS SYNDROME; OPD II SYNDROME; Otopalatodigital Syndrome, Type II; Otopalatodigital Syndrome Type 2 (FLNA-OPD2). Identifiers: Orphanet 669, Orphanet 90652, MedGen C1844696, MONDO:0010571, OMIM 304120.

Submission:

Labcorp Genetics (formerly Invitae), Labcorp
Classification: Uncertain significance for Oto-palato-digital syndrome, type II; Heterotopia, periventricular, X-linked dominant; Frontometaphyseal dysplasia; Melnick-Needles syndrome. Last evaluated: 2024-10-14. Review status: criteria provided, single submitter. Criteria: Invitae Variant Classification Sherloc (09022015). Collection method: clinical testing. Allele origin: germline.
Comment: This sequence change replaces valine, which is neutral and non-polar, with methionine, which is neutral and non-polar, at codon 1043 of the FLNA protein (p.Val1043Met). This variant is not present in population databases (gnomAD no frequency). This variant has not been reported in the literature in individuals affected with FLNA-related conditions. Invitae Evidence Modeling of protein sequence and biophysical properties (such as structural, functional, and spatial information, amino acid conservation, physicochemical variation, residue mobility, and thermodynamic stability) indicates that this missense variant is not expected to disrupt FLNA protein function with a negative predictive value of 95%. In summary, the available evidence is currently insufficient to determine the role of this variant in disease. Therefore, it has been classified as a Variant of Uncertain Significance.

NM_001110556.2(FLNA):c.3127G>A (p.Val1043Met)

Gene: FLNA (filamin A; minus strand). Cytogenetic location: Xq28.
Variant type: single nucleotide variant.
Coding change: c.3127G>A on transcript NM_001110556.2 (MANE Select); coding-DNA position 3127, G replaced by A.
Protein change: p.Val1043Met; replaces valine 1043 with methionine.
Molecular consequence: missense variant.
Genome position (GRCh38, 1-based): chrX:154,361,388, C>T on the plus strand (G>A on the coding strand, the complement: FLNA is on the minus strand). VCF-style: chrX-154361388-C-T. GRCh37 (hg19) VCF-style: chrX-153589756-C-T.
Other names: c.3127G>A, p.Val1043Met (NM_001456.4); short protein forms V1043M.
Identifiers: ClinVar variation 3753997 (VCV003753997.2).